The following is an entry in ClinVar:

NM_003059.3(SLC22A4):c.897del (p.Ala300fs)

Genes: MIR3936HG (MIR3936 host gene; minus strand), SLC22A4 (solute carrier family 22 member 4; plus strand). Cytogenetic location: 5q31.1.
Variant type: Deletion.
Coding change: c.897del on transcript NM_003059.3 (MANE Select); coding-DNA position 897, one base deleted (A; older notation c.897delA).
Protein change: p.Ala300fs; shifts the reading frame from alanine 300.
Molecular consequence: frameshift variant.
Genome position (GRCh38, 1-based): chr5:132,327,349, A deleted; the last of 5 consecutive A bases (chr5:132,327,345-132,327,349); deleting any one gives the same sequence. VCF-style (leftmost placement, unchanged base first): chr5-132327344-CA-C. GRCh37 (hg19) VCF-style: chr5-131663037-CA-C.
Other names: short protein forms A300fs.
Identifiers: ClinVar variation 4880050 (VCV004880050.1).

ClinVar aggregate classification (germline): Pathogenic (1 of 4 stars; one submission).

Conditions:
Primary ciliary dyskinesia. Also called: Ciliary dyskinesia. Identifiers: Orphanet 244, MedGen C0008780, MONDO:0016575, HP:0012265.

Submission:

Department of Human Genetics, Hannover Medical School
Classification: Pathogenic for Primary Ciliary Dyskinesia. Last evaluated: 2026-04-01. Review status: criteria provided, single submitter. Criteria: ACMG Guidelines, 2015. Collection method: research. Allele origin: germline. Affected: no.
Comment: Classification performed by HerediClassify using the following criteria:['PM2_supporting: Variant occures does not occur as homozygous in gnomAD.', 'PVS1_protein_very_strong: Transcript ENST00000200652 is predicted to undergo NMD.', "PP4_supporting: The modified PICADAR socre of 2.0 exceeds threshold of 2 achieving 'supporting' evidence strength."]